The following is an entry in ClinVar:

NM_001330260.2(SCN8A):c.5267T>G (p.Ile1756Ser)

Gene: SCN8A (sodium voltage-gated channel alpha subunit 8; plus strand). Cytogenetic location: 12q13.13.
Variant type: single nucleotide variant.
Coding change: c.5267T>G on transcript NM_001330260.2 (MANE Select); coding-DNA position 5267, T replaced by G.
Protein change: p.Ile1756Ser; replaces isoleucine 1756 with serine.
Molecular consequence: missense variant.
Genome position (GRCh38, 1-based): chr12:51,806,753, T>G. VCF-style: chr12-51806753-T-G. GRCh37 (hg19) VCF-style: chr12-52200537-T-G.
Other names: c.5144T>G, p.Ile1715Ser (NM_001177984.3, NM_001369788.1); c.5267T>G, p.Ile1756Ser (NM_014191.4); short protein forms I1715S, I1756S.
Identifiers: ClinVar variation 2429008 (VCV002429008.4), dbSNP rs2540334569, ClinGen allele CA384885081.

ClinVar aggregate classification (germline): Uncertain significance (1 of 4 stars; one submission).

Submission:

Greenwood Genetic Center Diagnostic Laboratories, Greenwood Genetic Center
Classification: Uncertain significance. Last evaluated: 2022-11-28. Review status: criteria provided, single submitter. Criteria: ACMG Guidelines, 2015. Collection method: clinical testing. Allele origin: germline. Affected: yes.
Comment: PM2, PP2, PP3